The following is an entry in ClinVar:

ClinVar aggregate classification (germline): Uncertain significance (1 of 4 stars; one submission).

Conditions:
Dystonic disorder. Also called: Dystonia. Identifiers: MedGen C0013421, MONDO:0003441, HP:0001332.

Submission:

Labcorp Genetics (formerly Invitae), Labcorp
Classification: Uncertain significance for Dystonic disorder. Last evaluated: 2023-03-19. Review status: criteria provided, single submitter. Criteria: Invitae Variant Classification Sherloc (09022015). Collection method: clinical testing. Allele origin: germline.
Comment: This sequence change replaces isoleucine, which is neutral and non-polar, with valine, which is neutral and non-polar, at codon 653 of the ANO3 protein (p.Ile653Val). This variant is not present in population databases (gnomAD no frequency). This variant has not been reported in the literature in individuals affected with ANO3-related conditions. Advanced modeling of protein sequence and biophysical properties (such as structural, functional, and spatial information, amino acid conservation, physicochemical variation, residue mobility, and thermodynamic stability) performed at Invitae indicates that this missense variant is not expected to disrupt ANO3 protein function. In summary, the available evidence is currently insufficient to determine the role of this variant in disease. Therefore, it has been classified as a Variant of Uncertain Significance.

NM_031418.4(ANO3):c.1957A>G (p.Ile653Val)

Gene: ANO3 (anoctamin 3; plus strand). Cytogenetic location: 11p14.2.
Variant type: single nucleotide variant.
Coding change: c.1957A>G on transcript NM_031418.4 (MANE Select); coding-DNA position 1957, A replaced by G.
Protein change: p.Ile653Val; replaces isoleucine 653 with valine.
Molecular consequence: missense variant.
Genome position (GRCh38, 1-based): chr11:26,634,287, A>G. VCF-style: chr11-26634287-A-G. GRCh37 (hg19) VCF-style: chr11-26655834-A-G.
Other names: c.2140A>G, p.Ile714Val (NM_001313726.2); c.1519A>G, p.Ile507Val (NM_001313727.2); short protein forms I507V, I714V, I653V.
Identifiers: ClinVar variation 2847447 (VCV002847447.3), dbSNP rs2538991893, ClinGen allele CA379934070.